The following is an entry in ClinVar:

ClinVar aggregate classification (germline): Uncertain significance (1 of 4 stars; one submission).

Conditions:
Congenital myasthenic syndrome 8. Also called: MYASTHENIC SYNDROME, CONGENITAL, DUE TO AGRIN DEFICIENCY; Myasthenic syndrome, congenital, 8, with pre- and postsynaptic defects. Identifiers: Orphanet 590, MedGen C3808739, MONDO:0014052, OMIM 615120.

Allele frequency attached by ClinVar (database versions not stated): gnomAD 0.00001.

Submission:

Labcorp Genetics (formerly Invitae), Labcorp
Classification: Uncertain significance for Congenital myasthenic syndrome 8. Last evaluated: 2021-02-02. Review status: criteria provided, single submitter. Criteria: Invitae Variant Classification Sherloc (09022015). Collection method: clinical testing. Allele origin: germline.
Comment: This sequence change replaces glutamic acid with lysine at codon 33 of the AGRN protein (p.Glu33Lys). The glutamic acid residue is weakly conserved and there is a small physicochemical difference between glutamic acid and lysine. The frequency data for this variant in the population databases is considered unreliable, as metrics indicate insufficient coverage at this position in the ExAC database. In summary, the available evidence is currently insufficient to determine the role of this variant in disease. Therefore, it has been classified as a Variant of Uncertain Significance. Algorithms developed to predict the effect of missense changes on protein structure and function are either unavailable or do not agree on the potential impact of this missense change (SIFT: "Deleterious"; PolyPhen-2: "Not Available"; Align-GVGD: "Class C0"). This variant has not been reported in the literature in individuals with AGRN-related conditions.

NM_198576.4(AGRN):c.97G>A (p.Glu33Lys)

Gene: AGRN (agrin; plus strand). Cytogenetic location: 1p36.33.
Variant type: single nucleotide variant.
Coding change: c.97G>A on transcript NM_198576.4 (MANE Select); coding-DNA position 97, G replaced by A.
Protein change: p.Glu33Lys; replaces glutamic acid 33 with lysine.
Molecular consequence: missense variant.
Genome position (GRCh38, 1-based): chr1:1,020,269, G>A. VCF-style: chr1-1020269-G-A. GRCh37 (hg19) VCF-style: chr1-955649-G-A.
Other names: c.97G>A, p.Glu33Lys (NM_001305275.2); short protein forms E33K.
Identifiers: ClinVar variation 1369002 (VCV001369002.8), dbSNP rs1000275884, ClinGen allele CA16732776.